The following is an entry in ClinVar:

ClinVar aggregate classification (germline): Uncertain significance (1 of 4 stars; one submission).

Submission:

Labcorp Genetics (formerly Invitae), Labcorp
Classification: Uncertain significance. Last evaluated: 2024-03-24. Review status: criteria provided, single submitter. Criteria: Invitae Variant Classification Sherloc (09022015). Collection method: clinical testing. Allele origin: germline.
Comment: This sequence change replaces isoleucine, which is neutral and non-polar, with valine, which is neutral and non-polar, at codon 191 of the PAX1 protein (p.Ile191Val). This variant is not present in population databases (gnomAD no frequency). This variant has not been reported in the literature in individuals affected with PAX1-related conditions. Advanced modeling of protein sequence and biophysical properties (such as structural, functional, and spatial information, amino acid conservation, physicochemical variation, residue mobility, and thermodynamic stability) performed at Invitae indicates that this missense variant is not expected to disrupt PAX1 protein function with a negative predictive value of 80%. In summary, the available evidence is currently insufficient to determine the role of this variant in disease. Therefore, it has been classified as a Variant of Uncertain Significance.

NM_001257096.2(PAX1):c.571A>G (p.Ile191Val)

Gene: PAX1 (paired box 1; plus strand). Cytogenetic location: 20p11.22.
Variant type: single nucleotide variant.
Coding change: c.571A>G on transcript NM_001257096.2 (MANE Select); coding-DNA position 571, A replaced by G.
Protein change: p.Ile191Val; replaces isoleucine 191 with valine.
Molecular consequence: missense variant.
Genome position (GRCh38, 1-based): chr20:21,706,722, A>G. VCF-style: chr20-21706722-A-G. GRCh37 (hg19) VCF-style: chr20-21687360-A-G.
Other names: c.571A>G, p.Ile191Val (NM_006192.5); short protein forms I191V.
Identifiers: ClinVar variation 3647516 (VCV003647516.2).